The following is an entry in ClinVar:

NM_001035.3(RYR2):c.13264C>T (p.Gln4422Ter)

Gene: RYR2 (ryanodine receptor 2; plus strand). Cytogenetic location: 1q43.
Variant type: single nucleotide variant.
Coding change: c.13264C>T on transcript NM_001035.3 (MANE Select); coding-DNA position 13264, C replaced by T.
Protein change: p.Gln4422Ter; replaces glutamine 4422 with a stop codon.
Molecular consequence: nonsense.
Genome position (GRCh38, 1-based): chr1:237,785,972, C>T. VCF-style: chr1-237785972-C-T. GRCh37 (hg19) VCF-style: chr1-237949272-C-T.
Other names: short protein forms Q4422*.
Identifiers: ClinVar variation 2830892 (VCV002830892.3), dbSNP rs2527820033, ClinGen allele CA345415798.

ClinVar aggregate classification (germline): Uncertain significance (1 of 4 stars; one submission).

Conditions:
Catecholaminergic polymorphic ventricular tachycardia 1. Also called: VENTRICULAR TACHYCARDIA, CATECHOLAMINERGIC POLYMORPHIC, 1, WITH OR WITHOUT ATRIAL DYSFUNCTION AND/OR DILATED CARDIOMYOPATHY; VENTRICULAR TACHYCARDIA, STRESS-INDUCED POLYMORPHIC 1; RYR2-Related Catecholaminergic Polymorphic Ventricular Tachycardia. Identifiers: Orphanet 3286, MedGen C1631597, MONDO:0011484, OMIM 604772.

Submission:

Labcorp Genetics (formerly Invitae), Labcorp
Classification: Uncertain significance for Catecholaminergic polymorphic ventricular tachycardia 1. Last evaluated: 2025-10-01. Review status: criteria provided, single submitter. Criteria: Invitae Variant Classification Sherloc (09022015). Collection method: clinical testing. Allele origin: germline.
Comment: This sequence change creates a premature translational stop signal (p.Gln4422*) in the RYR2 gene. It is expected to result in an absent or disrupted protein product. However, the current clinical and genetic evidence is not sufficient to establish whether loss-of-function variants in RYR2 cause disease. This variant is not present in population databases (gnomAD no frequency). This variant has not been reported in the literature in individuals affected with RYR2-related conditions. ClinVar contains an entry for this variant (Variation ID: 2830892). In summary, the available evidence is currently insufficient to determine the role of this variant in disease. Therefore, it has been classified as a Variant of Uncertain Significance.